The following is an entry in ClinVar:

NM_018297.4(NGLY1):c.800G>T (p.Ser267Ile)

Gene: NGLY1 (N-glycanase 1; minus strand). Cytogenetic location: 3p24.2.
Variant type: single nucleotide variant.
Coding change: c.800G>T on transcript NM_018297.4 (MANE Select); coding-DNA position 800, G replaced by T.
Protein change: p.Ser267Ile; replaces serine 267 with isoleucine.
Molecular consequence: missense variant.
Genome position (GRCh38, 1-based): chr3:25,739,658, C>A on the plus strand (G>T on the coding strand, the complement: NGLY1 is on the minus strand). VCF-style: chr3-25739658-C-A. GRCh37 (hg19) VCF-style: chr3-25781149-C-A.
Other names: c.800G>T, p.Ser267Ile (NM_001145293.2, NM_001145295.2); c.674G>T, p.Ser225Ile (NM_001145294.2); short protein forms S225I, S267I.
Identifiers: ClinVar variation 644859 (VCV000644859.10), dbSNP rs147901411, ClinGen allele CA2289378.

ClinVar aggregate classification (germline): Uncertain significance. Review status: criteria provided, multiple submitters, no conflicts (2 of 4 stars). 3 submissions from 3 submitters: Uncertain significance (3). Last evaluated 2025-04-18.

Conditions:
Congenital disorder of deglycosylation (CDDG). Identifiers: MedGen C3808991, MONDO:0031376.
Inborn genetic diseases. Identifiers: MedGen C0950123, MeSH D030342.

Allele frequency attached by ClinVar (database versions not stated): gnomAD 0.00001; gnomAD exomes 0.00001; TOPMed 0.00001; ExAC 0.00002; ESP Exome Variant Server 0.00008.
gnomAD v4.1: 6 of 1,613,996 alleles (0.00037%); highest among the groups gnomAD compares: African/African-American, 0.0027%; no homozygotes.

Submissions (3):

GeneDx
Classification: Uncertain significance. Last evaluated: 2025-04-18. Review status: criteria provided, single submitter. Criteria: GeneDx Variant Classification Process June 2021. Collection method: clinical testing. Allele origin: germline. Affected: yes.
Comment: Not observed at significant frequency in large population cohorts (gnomAD); In silico analysis supports that this missense variant has a deleterious effect on protein structure/function; Has not been previously published as pathogenic or benign to our knowledge

Labcorp Genetics (formerly Invitae), Labcorp
Classification: Uncertain significance for Congenital disorder of deglycosylation. Last evaluated: 2022-07-18. Review status: criteria provided, single submitter. Criteria: Invitae Variant Classification Sherloc (09022015). Collection method: clinical testing. Allele origin: germline.
Comment: This sequence change replaces serine, which is neutral and polar, with isoleucine, which is neutral and non-polar, at codon 267 of the NGLY1 protein (p.Ser267Ile). This variant is present in population databases (rs147901411, gnomAD 0.007%). This variant has not been reported in the literature in individuals affected with NGLY1-related conditions. ClinVar contains an entry for this variant (Variation ID: 644859). Algorithms developed to predict the effect of missense changes on protein structure and function (SIFT, PolyPhen-2, Align-GVGD) all suggest that this variant is likely to be tolerated. In summary, the available evidence is currently insufficient to determine the role of this variant in disease. Therefore, it has been classified as a Variant of Uncertain Significance.

Ambry Genetics
Classification: Uncertain significance for Inborn genetic diseases. Last evaluated: 2021-06-16. Review status: criteria provided, single submitter. Criteria: Ambry Variant Classification Scheme 2023. Collection method: clinical testing. Allele origin: germline.